The following is an entry in ClinVar:

ClinVar aggregate classification (germline): Uncertain significance (1 of 4 stars; one submission).

Allele frequency attached by ClinVar (database versions not stated): TOPMed below 0.00001.

Submission:

Labcorp Genetics (formerly Invitae), Labcorp
Classification: Uncertain significance. Last evaluated: 2021-05-05. Review status: criteria provided, single submitter. Criteria: Invitae Variant Classification Sherloc (09022015). Collection method: clinical testing. Allele origin: germline.
Comment: Algorithms developed to predict the effect of missense changes on protein structure and function (SIFT, PolyPhen-2, Align-GVGD) all suggest that this variant is likely to be tolerated, but these predictions have not been confirmed by published functional studies and their clinical significance is uncertain. In summary, the available evidence is currently insufficient to determine the role of this variant in disease. Therefore, it has been classified as a Variant of Uncertain Significance. This variant has not been reported in the literature in individuals with ADAMTS10-related conditions. This variant is not present in population databases (ExAC no frequency). This sequence change replaces alanine with valine at codon 13 of the ADAMTS10 protein (p.Ala13Val). The alanine residue is moderately conserved and there is a small physicochemical difference between alanine and valine.

NM_030957.4(ADAMTS10):c.38C>T (p.Ala13Val)

Gene: ADAMTS10 (ADAM metallopeptidase with thrombospondin type 1 motif 10; minus strand). Cytogenetic location: 19p13.2.
Variant type: single nucleotide variant.
Coding change: c.38C>T on transcript NM_030957.4 (MANE Select); coding-DNA position 38, C replaced by T.
Protein change: p.Ala13Val; replaces alanine 13 with valine.
Molecular consequence: missense variant.
Genome position (GRCh38, 1-based): chr19:8,605,673, G>A on the plus strand (C>T on the coding strand, the complement: ADAMTS10 is on the minus strand). VCF-style: chr19-8605673-G-A. GRCh37 (hg19) VCF-style: chr19-8670558-G-A.
Other names: short protein forms A13V.
Identifiers: ClinVar variation 1483852 (VCV001483852.8), dbSNP rs2042714462, ClinGen allele CA403758088.